The following is an entry in ClinVar:

NM_020921.4(NIN):c.2699C>G (p.Thr900Arg)

Gene: NIN (ninein; minus strand). Cytogenetic location: 14q22.1.
Variant type: single nucleotide variant.
Coding change: c.2699C>G on transcript NM_020921.4 (MANE Select); coding-DNA position 2699, C replaced by G.
Protein change: p.Thr900Arg; replaces threonine 900 with arginine.
Molecular consequence: missense variant. On other transcripts: intron variant (1).
Genome position (GRCh38, 1-based): chr14:50,758,331, G>C on the plus strand (C>G on the coding strand, the complement: NIN is on the minus strand). VCF-style: chr14-50758331-G-C. GRCh37 (hg19) VCF-style: chr14-51225049-G-C.
Other names: c.2699C>G, p.Thr900Arg (NM_182944.3, NM_182946.2); c.2399+1526C>G (NM_016350.5); short protein forms T900R.
Identifiers: ClinVar variation 2179441 (VCV002179441.4), dbSNP rs191873665, ClinGen allele CA7181879.

ClinVar aggregate classification (germline): Uncertain significance (1 of 4 stars; one submission).

Allele frequency attached by ClinVar (database versions not stated): gnomAD exomes 0.00001; ExAC 0.00006; TOPMed 0.00008; gnomAD 0.00010; 1000 Genomes Project 30x 0.00078; 1000 Genomes Project 0.00080.
gnomAD v4.1: 45 of 1,614,246 alleles (0.0028%); highest among the groups gnomAD compares: East Asian, 0.031%; no homozygotes.

Submission:

Labcorp Genetics (formerly Invitae), Labcorp
Classification: Uncertain significance. Last evaluated: 2023-12-11. Review status: criteria provided, single submitter. Criteria: Invitae Variant Classification Sherloc (09022015). Collection method: clinical testing. Allele origin: germline.
Comment: This sequence change replaces threonine, which is neutral and polar, with arginine, which is basic and polar, at codon 900 of the NIN protein (p.Thr900Arg). This variant is present in population databases (rs191873665, gnomAD 0.05%). This variant has not been reported in the literature in individuals affected with NIN-related conditions. ClinVar contains an entry for this variant (Variation ID: 2179441). An algorithm developed to predict the effect of missense changes on protein structure and function (PolyPhen-2) suggests that this variant is likely to be disruptive. In summary, the available evidence is currently insufficient to determine the role of this variant in disease. Therefore, it has been classified as a Variant of Uncertain Significance.